The following is an entry in ClinVar:

NM_001283009.2(RTEL1):c.396-26C>T

Genes: RTEL1 (regulator of telomere elongation helicase 1; plus strand), RTEL1-TNFRSF6B (RTEL1-TNFRSF6B readthrough (NMD candidate); plus strand). Cytogenetic location: 20q13.33.
Variant type: single nucleotide variant.
Coding change: c.396-26C>T on transcript NM_001283009.2 (MANE Select); 26 bases into the intron before coding-DNA position 396, C replaced by T.
Molecular consequence: intron variant. On other transcripts: nonsense (1).
Genome position (GRCh38, 1-based): chr20:63,662,520, C>T. VCF-style: chr20-63662520-C-T. GRCh37 (hg19) VCF-style: chr20-62293873-C-T.
Other names: c.442C>T, p.Arg148Ter (NM_032957.5); c.-274-26C>T (NM_001283010.1); c.396-26C>T (NM_016434.4); short protein forms R148*.
Identifiers: ClinVar variation 449904 (VCV000449904.13), dbSNP rs80224512, ClinGen allele CA9964243.

ClinVar aggregate classification (germline): Pathogenic/Likely pathogenic. Review status: criteria provided, multiple submitters, no conflicts (2 of 4 stars). 6 submissions from 6 submitters: Pathogenic (1); Likely pathogenic (4). 1 of the submissions does not count toward it. Last evaluated 2025-12-22.

Conditions:
Dyskeratosis congenita, autosomal recessive 5 (DKCB5). Identifiers: MedGen C3554656, MONDO:0014076, OMIM 615190.
Pulmonary fibrosis and/or bone marrow failure, Telomere-related, 3. Also called: PULMONARY FIBROSIS AND/OR BONE MARROW FAILURE SYNDROME, TELOMERE-RELATED, 3. Identifiers: Orphanet 2032, MedGen C4225346, MONDO:0014613, OMIM 616373.
Dyskeratosis congenita. Identifiers: Orphanet 1775, MedGen C0265965, MONDO:0015780.

Allele frequency attached by ClinVar (database versions not stated): ExAC 0.00003; gnomAD 0.00003 and 0.00004; TOPMed 0.00003; 1000 Genomes Project 30x 0.00031; 1000 Genomes Project 0.00040.
gnomAD v4.1: 43 of 1,613,188 alleles (0.0027%); highest among the groups gnomAD compares: South Asian, 0.0066%; no homozygotes.

Submissions (6):

Natera, Inc.
Classification: Likely pathogenic for Dyskeratosis congenita. Last evaluated: 2025-12-22. Review status: criteria provided, single submitter. Criteria: Natera Variant Classification Schema (03/2026). Collection method: clinical testing. Allele origin: germline.
Comment: The c.442C>T variant in RTEL1 is a nonsense variant predicted to introduce a stop codon at amino acid 148. This variant is expected to result in nonsense mediated decay, truncation, or a dysfunctional protein product. This variant is rare in the general population with a frequency below the threshold expected for the associated phenotype(s). Given the available evidence, this variant is classified as Likely Pathogenic.

GeneDx
Classification: Likely pathogenic. Last evaluated: 2025-04-30. Review status: criteria provided, single submitter. Criteria: GeneDx Variant Classification Process June 2021. Collection method: clinical testing. Allele origin: germline. Affected: yes.
Comment: Nonsense variant predicted to result in protein truncation or nonsense mediated decay in a gene for which loss of function is a known mechanism of disease; Has not been previously published as pathogenic or benign to our knowledge

Baylor Genetics
Classification: Pathogenic for Dyskeratosis congenita, autosomal recessive 5. Last evaluated: 2023-05-12. Review status: criteria provided, single submitter. Criteria: ACMG Guidelines, 2015. Collection method: clinical testing. Allele origin: unknown.

Fulgent Genetics
Classification: Likely pathogenic for Dyskeratosis congenita, autosomal recessive 5; Pulmonary fibrosis and/or bone marrow failure, Telomere-related, 3. Last evaluated: 2022-01-12. Review status: criteria provided, single submitter. Criteria: ACMG Guidelines, 2015. Collection method: clinical testing. Allele origin: unknown.

Revvity Omics, Revvity
Classification: Likely pathogenic. Last evaluated: 2021-12-28. Review status: criteria provided, single submitter. Criteria: ACMG Guidelines, 2015. Collection method: clinical testing. Allele origin: germline.

Counsyl
Classification: Uncertain significance for Dyskeratosis congenita, autosomal recessive 5. Last evaluated: 2017-11-16. Review status: no assertion criteria provided. Collection method: clinical testing. Allele origin: unknown. Not counted in ClinVar's aggregate classification.

Literature cited by the submitters: PubMed 28507545 (cited by Counsyl).